The following is an entry in ClinVar:

ClinVar aggregate classification (germline): Pathogenic (1 of 4 stars; one submission).

Conditions:
GM1 gangliosidosis. Identifiers: Orphanet 354, MedGen C0085131, MONDO:0018149.
Mucopolysaccharidosis, MPS-IV-B (MPS4B). Also called: MORQUIO SYNDROME B; Mucopolysaccharidosis Type IVB (Morquio B Disease); Mucopolysaccharidosis type 4B; Mucopolysaccharidosis type IVB (Morquio); MPS IVB; Mucopolysaccharidosis type IV B. Identifiers: Orphanet 309310, Orphanet 582, MedGen C0086652, MONDO:0009660, OMIM 253010.

Submission:

Labcorp Genetics (formerly Invitae), Labcorp
Classification: Pathogenic for Mucopolysaccharidosis, MPS-IV-B; GM1 gangliosidosis. Last evaluated: 2022-10-11. Review status: criteria provided, single submitter. Criteria: Invitae Variant Classification Sherloc (09022015). Collection method: clinical testing. Allele origin: germline.
Comment: For these reasons, this variant has been classified as Pathogenic. Experimental studies are conflicting or provide insufficient evidence to determine the effect of this variant on GLB1 function (PMID: 21520340). Advanced modeling of protein sequence and biophysical properties (such as structural, functional, and spatial information, amino acid conservation, physicochemical variation, residue mobility, and thermodynamic stability) performed at Invitae indicates that this missense variant is expected to disrupt GLB1 protein function. ClinVar contains an entry for this variant (Variation ID: 1475998). This missense change has been observed in individual(s) with GM1-gangliosidosis (PMID: 16941474, 21497194). This variant is not present in population databases (gnomAD no frequency). This sequence change replaces tyrosine, which is neutral and polar, with cysteine, which is neutral and slightly polar, at codon 347 of the GLB1 protein (p.Tyr347Cys).

Literature cited by the submitters: PubMed 21520340; PubMed 16941474; PubMed 21497194.

NM_000404.4(GLB1):c.1040A>G (p.Tyr347Cys)

Gene: GLB1 (galactosidase beta 1; minus strand). Cytogenetic location: 3p22.3.
Variant type: single nucleotide variant.
Coding change: c.1040A>G on transcript NM_000404.4 (MANE Select); coding-DNA position 1040, A replaced by G.
Protein change: p.Tyr347Cys; replaces tyrosine 347 with cysteine.
Molecular consequence: missense variant.
Genome position (GRCh38, 1-based): chr3:33,046,148, T>C on the plus strand (A>G on the coding strand, the complement: GLB1 is on the minus strand). VCF-style: chr3-33046148-T-C. GRCh37 (hg19) VCF-style: chr3-33087640-T-C.
Other names: c.950A>G, p.Tyr317Cys (NM_001079811.3); c.647A>G, p.Tyr216Cys (NM_001135602.3); c.1184A>G, p.Tyr395Cys (NM_001317040.2); c.1040A>G, p.Tyr347Cys (NM_001393580.1); short protein forms Y317C, Y347C, Y395C, Y216C.
Identifiers: ClinVar variation 1475998 (VCV001475998.6), dbSNP rs2125514041, ClinGen allele CA351999254.